The following is an entry in ClinVar:

ClinVar aggregate classification (germline): Benign. Review status: criteria provided, multiple submitters, no conflicts (2 of 4 stars). 3 submissions from 3 submitters: Benign (2). 1 of the submissions does not count toward it. Last evaluated 2019-12-31.

Conditions:
LNPK-related disorder. Also called: LNPK-related condition.

Allele frequency attached by ClinVar (database versions not stated): 1000 Genomes Project 0.02676; gnomAD 0.02722 and 0.02517; ESP Exome Variant Server 0.02986; 1000 Genomes Project 30x 0.02717; TOPMed 0.02928; gnomAD exomes 0.00258 and 0.00682; ExAC 0.00881.
gnomAD v4.1: 7,758 of 1,588,446 alleles (0.49%); highest among the groups gnomAD compares: African/African-American, 8.7%; 323 homozygotes.

Submissions (3):

Labcorp Genetics (formerly Invitae), Labcorp
Classification: Benign. Last evaluated: 2019-12-31. Review status: criteria provided, single submitter. Criteria: Invitae Variant Classification Sherloc (09022015). Collection method: clinical testing. Allele origin: germline.

Breakthrough Genomics
Classification: Benign. Review status: criteria provided, single submitter. Criteria: ACMG Guidelines, 2015. Collection method: not provided. Allele origin: germline. Inheritance: Autosomal recessive inheritance. Affected: yes.

PreventionGenetics, part of Exact Sciences
Classification: Benign for LNPK-related condition. Last evaluated: 2019-03-25. Review status: no assertion criteria provided. Collection method: clinical testing. Allele origin: germline. Not counted in ClinVar's aggregate classification.
Comment: This variant is classified as benign based on ACMG/AMP sequence variant interpretation guidelines (Richards et al. 2015 PMID: 25741868, with internal and published modifications).

NM_030650.3(LNPK):c.-25T>A

Gene: LNPK (lunapark, ER junction formation factor; minus strand). Cytogenetic location: 2q31.1.
Variant type: single nucleotide variant.
Coding change: c.-25T>A on transcript NM_030650.3 (MANE Select); 25 bases upstream of the start codon, T replaced by A.
Molecular consequence: 5 prime UTR variant. On other transcripts: missense variant (2), non-coding transcript variant (1).
Genome position (GRCh38, 1-based): chr2:175,995,609, A>T on the plus strand (T>A on the coding strand, the complement: LNPK is on the minus strand). VCF-style: chr2-175995609-A-T. GRCh37 (hg19) VCF-style: chr2-176860337-A-T.
Other names: c.169T>A, p.Cys57Ser (NM_001305008.1, NM_001305010.1); c.-25T>A (NM_001305009.1); c.-164T>A (NM_001305011.2); short protein forms C57S.
Identifiers: ClinVar variation 785018 (VCV000785018.7), dbSNP rs77084246, ClinGen allele CA1976142.